The following is an entry in ClinVar:

ClinVar aggregate classification (germline): Uncertain significance (1 of 4 stars; one submission).

Conditions:
Immunodeficiency 51 (IMD51). Also called: CANDIDIASIS, FAMILIAL, 5. Identifiers: Orphanet 1334, MedGen C4310803, MONDO:0013500, OMIM 613953.

Allele frequency attached by ClinVar (database versions not stated): gnomAD exomes below 0.00001.
gnomAD v4.1: 2 of 1,607,680 alleles (0.00012%); highest among the groups gnomAD compares: Non-Finnish European, 0.00017%; no homozygotes.

Submission:

Labcorp Genetics (formerly Invitae), Labcorp
Classification: Uncertain significance for Immunodeficiency 51. Last evaluated: 2022-03-12. Review status: criteria provided, single submitter. Criteria: Invitae Variant Classification Sherloc (09022015). Collection method: clinical testing. Allele origin: germline.
Comment: This sequence change replaces aspartic acid, which is acidic and polar, with glycine, which is neutral and non-polar, at codon 527 of the IL17RA protein (p.Asp527Gly). This variant is not present in population databases (gnomAD no frequency). This variant has not been reported in the literature in individuals affected with IL17RA-related conditions. Algorithms developed to predict the effect of missense changes on protein structure and function output the following: SIFT: "Tolerated"; PolyPhen-2: "Benign"; Align-GVGD: "Class C0". The glycine amino acid residue is found in multiple mammalian species, which suggests that this missense change does not adversely affect protein function. In summary, the available evidence is currently insufficient to determine the role of this variant in disease. Therefore, it has been classified as a Variant of Uncertain Significance.

NM_014339.7(IL17RA):c.1580A>G (p.Asp527Gly)

Gene: IL17RA (interleukin 17 receptor A; plus strand). Cytogenetic location: 22q11.1.
Variant type: single nucleotide variant.
Coding change: c.1580A>G on transcript NM_014339.7 (MANE Select); coding-DNA position 1580, A replaced by G.
Protein change: p.Asp527Gly; replaces aspartic acid 527 with glycine.
Molecular consequence: missense variant.
Genome position (GRCh38, 1-based): chr22:17,108,799, A>G. VCF-style: chr22-17108799-A-G. GRCh37 (hg19) VCF-style: chr22-17589689-A-G.
Other names: c.1478A>G, p.Asp493Gly (NM_001289905.2); short protein forms D493G, D527G.
Identifiers: ClinVar variation 2079807 (VCV002079807.1), dbSNP rs2517174100, ClinGen allele CA410217754.
Genomic context (GRCh38, chr22:17,108,799, plus strand): 5'-TCAGCTGTGACGGCGACGTCCCCGACCTGTTCGGCGCGGCGCCGCGGTACCCGCTCATGG[A>G]CAGGTTCGAGGAGGTGTACTTCCGCATCCAGGACCTGGAGATGTTCCAGCCGGGCCGCAT-3'
Protein context (NP_055154.3, residues 517-537): FGAAPRYPLM[Asp527Gly]RFEEVYFRIQ